The following is an entry in ClinVar:

ClinVar aggregate classification (germline): Likely pathogenic. Review status: criteria provided, multiple submitters, no conflicts (2 of 4 stars). 3 submissions from 3 submitters: Likely pathogenic (2). 1 of the submissions does not count toward it. Last evaluated 2023-07-28.

Conditions:
Charcot-Marie-Tooth disease. Also called: Charcot-Marie-Tooth Neuropathy; Charcot-Marie-Tooth Hereditary Neuropathy. Identifiers: Orphanet 166, MedGen C0007959, MONDO:0015626.
Charcot-Marie-Tooth disease type 2. Also called: Charcot-Marie-Tooth type 2. Identifiers: Orphanet 64746, MedGen C0270914, MONDO:0018993.

Submissions (3):

GeneDx
Classification: Likely pathogenic. Last evaluated: 2023-07-28. Review status: criteria provided, single submitter. Criteria: GeneDx Variant Classification Process June 2021. Collection method: clinical testing. Allele origin: germline. Affected: yes.
Comment: Observed in 4 siblings with a mild axonal neuropathy; however, parental testing could not be performed (Motley et al., 2015); Published functional studies demonstrate a damaging effect on AARS function, as well as deficits in protein structure, enzyme activity, and abnormal interaction (Motley et al., 2015; Sun et al., 2021); Not observed at significant frequency in large population cohorts (gnomAD); In silico analysis supports that this missense variant has a deleterious effect on protein structure/function; This variant is associated with the following publications: (PMID: 25904691, 26032230, 29288497, 33753480, 37010095, 25817015)

Labcorp Genetics (formerly Invitae), Labcorp
Classification: Likely pathogenic for Charcot-Marie-Tooth disease type 2. Last evaluated: 2022-05-27. Review status: criteria provided, single submitter. Criteria: Invitae Variant Classification Sherloc (09022015). Collection method: clinical testing. Allele origin: germline.
Comment: This sequence change replaces glycine, which is neutral and non-polar, with arginine, which is basic and polar, at codon 102 of the AARS protein (p.Gly102Arg). This variant is not present in population databases (gnomAD no frequency). This missense change has been observed in individuals with Charcot-Marie-Tooth disease (PMID: 25904691, 26032230). It has also been observed to segregate with disease in related individuals. ClinVar contains an entry for this variant (Variation ID: 651906). Algorithms developed to predict the effect of missense changes on protein structure and function are either unavailable or do not agree on the potential impact of this missense change (SIFT: "Deleterious"; PolyPhen-2: "Probably Damaging"; Align-GVGD: "Class C15"). Experimental studies have shown that this missense change affects AARS function (PMID: 33753480). In summary, the currently available evidence indicates that the variant is pathogenic, but additional data are needed to prove that conclusively. Therefore, this variant has been classified as Likely Pathogenic.

Inherited Neuropathy Consortium
Classification: Uncertain significance for Charcot-Marie-Tooth disease. Review status: no assertion criteria provided. Collection method: literature only. Allele origin: inherited. Affected: yes. Not counted in ClinVar's aggregate classification.

Literature cited by the submitters: PubMed 25904691 (cited by Labcorp Genetics (formerly Invitae), Labcorp and Inherited Neuropathy Consortium); PubMed 26032230 (cited by Labcorp Genetics (formerly Invitae), Labcorp); PubMed 33753480 (cited by Labcorp Genetics (formerly Invitae), Labcorp).

NM_001605.3(AARS1):c.304G>C (p.Gly102Arg)

Gene: AARS1 (alanyl-tRNA synthetase 1; minus strand). Cytogenetic location: 16q22.1.
Variant type: single nucleotide variant.
Coding change: c.304G>C on transcript NM_001605.3 (MANE Select); coding-DNA position 304, G replaced by C.
Protein change: p.Gly102Arg; replaces glycine 102 with arginine.
Molecular consequence: missense variant.
Genome position (GRCh38, 1-based): chr16:70,276,995, C>G on the plus strand (G>C on the coding strand, the complement: AARS1 is on the minus strand). VCF-style: chr16-70276995-C-G. GRCh37 (hg19) VCF-style: chr16-70310898-C-G.
Other names: short protein forms G102R.
Identifiers: ClinVar variation 651906 (VCV000651906.12), dbSNP rs1597446183, ClinGen allele CA396569407.